The following is an entry in ClinVar:

NM_000492.4(CFTR):c.562C>A (p.Leu188Met)

Gene: CFTR (CF transmembrane conductance regulator; plus strand). Cytogenetic location: 7q31.2.
Variant type: single nucleotide variant.
Coding change: c.562C>A on transcript NM_000492.4 (MANE Select); coding-DNA position 562, C replaced by A.
Protein change: p.Leu188Met; replaces leucine 188 with methionine.
Molecular consequence: missense variant.
Genome position (GRCh38, 1-based): chr7:117,534,348, C>A. VCF-style: chr7-117534348-C-A. GRCh37 (hg19) VCF-style: chr7-117174402-C-A.
Other names: short protein forms L188M.
Identifiers: ClinVar variation 1748733 (VCV001748733.2), dbSNP rs368039301, ClinGen allele CA164944932.

ClinVar aggregate classification (germline): Uncertain significance (1 of 4 stars; one submission).

Conditions:
Cystic fibrosis (CF). Also called: MUCOVISCIDOSIS. Identifiers: Orphanet 586, MedGen C0010674, MONDO:0009061, OMIM 219700. Disease mechanism: loss of function.

Allele frequency attached by ClinVar (database versions not stated): ESP Exome Variant Server 0.00008.

Submission:

Ambry Genetics
Classification: Uncertain significance for Cystic fibrosis. Last evaluated: 2015-08-11. Review status: criteria provided, single submitter. Criteria: Ambry Variant Classification Scheme 2023. Collection method: clinical testing. Allele origin: germline.
Comment: The p.L188M variant (also known as c.562C>A), located in coding exon 5 of the CFTR gene, results from a C to A substitution at nucleotide position 562. The leucine at codon 188 is replaced by methionine, an amino acid with highly similar properties. Another alteration (p.L188P) of the same codon has been classified as a pathogenic mutation and reported in patients with idiopathic panceatitis (Hamoir et al. Digestion. 2013;87(4):229-39, Audrezet et al. J Mol Diagn. 2008;10(5):424-34, Masson et al. PLoS One. 2013;8(8):e73522). This variant was previously reported in the SNPDatabase as rs368039301. Based on data from the NHLBI Exome Sequencing Project (ESP), the A allele has an overall frequency of approximately 0.01% (1/13002) total alleles studied, having been observed in 0.02% (1/4404) African American alleles. This amino acid position is highly conserved in available vertebrate species. In addition, the in silico prediction for this alteration is inconclusive. Since supporting evidence is limited at this time, the clinical significance of this variant remains unclear.